The following is an entry in ClinVar:

ClinVar aggregate classification (germline): Uncertain significance (1 of 4 stars; one submission).

Conditions:
Brugada syndrome 5 (BRGDA5). Identifiers: Orphanet 130, Orphanet 871, MedGen C2748541, MONDO:0013015, OMIM 612838.

Allele frequency attached by ClinVar (database versions not stated): gnomAD exomes below 0.00001.
gnomAD v4.1: 2 of 1,614,200 alleles (0.00012%); highest among the groups gnomAD compares: Non-Finnish European, 0.00017%; no homozygotes.

Submission:

Labcorp Genetics (formerly Invitae), Labcorp
Classification: Uncertain significance for Brugada syndrome 5. Last evaluated: 2025-02-24. Review status: criteria provided, single submitter. Criteria: Invitae Variant Classification Sherloc (09022015). Collection method: clinical testing. Allele origin: germline.
Comment: This sequence change replaces serine, which is neutral and polar, with glycine, which is neutral and non-polar, at codon 47 of the SCN1B protein (p.Ser47Gly). This variant is not present in population databases (gnomAD no frequency). This variant has not been reported in the literature in individuals affected with SCN1B-related conditions. ClinVar contains an entry for this variant (Variation ID: 2081291). An algorithm developed to predict the effect of missense changes on protein structure and function (PolyPhen-2) suggests that this variant is likely to be tolerated. In summary, the available evidence is currently insufficient to determine the role of this variant in disease. Therefore, it has been classified as a Variant of Uncertain Significance.

NM_001037.5(SCN1B):c.139A>G (p.Ser47Gly)

Gene: SCN1B (sodium voltage-gated channel beta subunit 1; plus strand). Cytogenetic location: 19q13.11.
Variant type: single nucleotide variant.
Coding change: c.139A>G on transcript NM_001037.5 (MANE Select); coding-DNA position 139, A replaced by G.
Protein change: p.Ser47Gly; replaces serine 47 with glycine.
Molecular consequence: missense variant.
Genome position (GRCh38, 1-based): chr19:35,032,626, A>G. VCF-style: chr19-35032626-A-G. GRCh37 (hg19) VCF-style: chr19-35523530-A-G.
Other names: c.40A>G, p.Ser14Gly (NM_001321605.2); c.139A>G, p.Ser47Gly (NM_199037.5); short protein forms S47G, S14G.
Identifiers: ClinVar variation 2081291 (VCV002081291.4), dbSNP rs1460827220, ClinGen allele CA405328127.